The following is an entry in ClinVar:

NM_020699.4(GATAD2B):c.900+5G>C

Gene: GATAD2B (GATA zinc finger domain containing 2B; minus strand). Cytogenetic location: 1q21.3.
Variant type: single nucleotide variant.
Coding change: c.900+5G>C on transcript NM_020699.4 (MANE Select); 5 bases into the intron after coding-DNA position 900, G replaced by C.
Molecular consequence: intron variant.
Genome position (GRCh38, 1-based): chr1:153,817,367, C>G on the plus strand (G>C on the coding strand, the complement: GATAD2B is on the minus strand). VCF-style: chr1-153817367-C-G. GRCh37 (hg19) VCF-style: chr1-153789843-C-G.
Other names: c.900+5G>C (NM_020699.2).
Identifiers: ClinVar variation 1909891 (VCV001909891.8), dbSNP rs747756296, ClinGen allele CA1120747.

ClinVar aggregate classification (germline): Uncertain significance. Review status: criteria provided, multiple submitters, no conflicts (2 of 4 stars). 4 submissions from 4 submitters: Uncertain significance (4). Last evaluated 2025-01-27.

Conditions:
Inborn genetic diseases. Identifiers: MedGen C0950123, MeSH D030342.
Severe intellectual disability-poor language-strabismus-grimacing face-long fingers syndrome (GAND). Also called: GAND SYNDROME. Identifiers: Orphanet 363686, MedGen C3554448, MONDO:0014034, OMIM 615074.

Allele frequency attached by ClinVar (database versions not stated): gnomAD exomes below 0.00001; TOPMed below 0.00001; ExAC 0.00001; gnomAD 0.00001.
gnomAD v4.1: 2 of 1,556,642 alleles (0.00013%); highest among the groups gnomAD compares: African/African-American, 0.0014%; no homozygotes.

Submissions (4):

Ambry Genetics
Classification: Uncertain significance for Inborn genetic diseases. Last evaluated: 2025-01-27. Review status: criteria provided, single submitter. Criteria: Ambry Variant Classification Scheme 2023. Collection method: clinical testing. Allele origin: germline.
Comment: The c.900+5G>C intronic alteration consists of a G to C substitution nucleotides after coding exon 5 in the GATAD2B gene. Based on insufficient or conflicting evidence, the clinical significance of this alteration remains unclear.

Labcorp Genetics (formerly Invitae), Labcorp
Classification: Uncertain significance. Last evaluated: 2024-05-05. Review status: criteria provided, single submitter. Criteria: Invitae Variant Classification Sherloc (09022015). Collection method: clinical testing. Allele origin: germline.
Comment: This sequence change falls in intron 6 of the GATAD2B gene. It does not directly change the encoded amino acid sequence of the GATAD2B protein. It affects a nucleotide within the consensus splice site. This variant is present in population databases (rs747756296, gnomAD 0.001%). This variant has not been reported in the literature in individuals affected with GATAD2B-related conditions. ClinVar contains an entry for this variant (Variation ID: 1909891). Variants that disrupt the consensus splice site are a relatively common cause of aberrant splicing (PMID: 17576681, 9536098). Algorithms developed to predict the effect of sequence changes on RNA splicing suggest that this variant is not likely to affect RNA splicing. In summary, the available evidence is currently insufficient to determine the role of this variant in disease. Therefore, it has been classified as a Variant of Uncertain Significance.

Greenwood Genetic Center Diagnostic Laboratories, Greenwood Genetic Center
Classification: Uncertain significance. Last evaluated: 2023-05-03. Review status: criteria provided, single submitter. Criteria: ACMG Guidelines, 2015. Collection method: clinical testing. Allele origin: germline. Affected: yes.
Comment: PM2

Genome-Nilou Lab
Classification: Uncertain significance for Severe intellectual disability-poor language-strabismus-grimacing face-long fingers syndrome. Last evaluated: 2023-04-11. Review status: criteria provided, single submitter. Criteria: ACMG Guidelines, 2015. Collection method: clinical testing. Allele origin: germline. Affected: no.

Literature cited by the submitters: PubMed 17576681 (cited by Labcorp Genetics (formerly Invitae), Labcorp); PubMed 9536098 (cited by Labcorp Genetics (formerly Invitae), Labcorp).